The following is an entry in ClinVar:

ClinVar aggregate classification (germline): Conflicting classifications of pathogenicity. Review status: criteria provided, conflicting classifications (1 of 4 stars). 2 submissions from 2 submitters: Pathogenic (1); Uncertain significance (1). Last evaluated 2025-03-26.

Conditions:
Neonatal severe primary hyperparathyroidism. Identifiers: Orphanet 417, MedGen C1832615, MONDO:0009397, OMIM 239200.
Autosomal dominant hypocalcemia 1 (HYPOC1). Also called: HYPOCALCEMIA, FAMILIAL. Identifiers: MedGen C3715128, MONDO:0011013, OMIM 601198.
Familial hypocalciuric hypercalcemia (FHH). Also called: Familial benign hypercalcemia. Identifiers: Orphanet 405, MedGen C1809471, MONDO:0018458.

Submissions (2):

Institute for Clinical Genetics, University Hospital TU Dresden, University Hospital TU Dresden
Classification: Pathogenic for Neonatal severe primary hyperparathyroidism. Last evaluated: 2025-03-26. Review status: criteria provided, single submitter. Criteria: ACMG Guidelines, 2015. Collection method: clinical testing. Allele origin: de novo. Affected: yes.
Comment: This missense variant in the CASR gene (NM_000388.4:c.1682G>A p.(Cys561Tyr)) leads to an amino acid exchange at position 561 in the corresponding protein due to a base exchange at position 1682 of the cDNA. Bioinformatic prediction algorithms estimate the effect of the variant on protein function as strong (REVEL score 0.943, PMID: 27666373), but an actual effect has not yet been functionally investigated. The variant affects a cysteine residue of the functionally critical 9-cysteine domain, in which pathogenic missense variants are enriched (PMIDs: 23856260, 9801147). The variant was classified in the ClinVar database 1 time as a variant of unclear significance in an individual with juvenile hyperparathyroidism and a conspicuous family history (personal communication with Labcorp Genetics, San Francisco, USA). The variant is not listed in the population database gnomAD v4.1.0. The phenotype of the index person (neonatal hyperparathyroidism, hypercalcemia, thoracic deformity) indicates a CASR-associated disease with high specificity (PMID: 31189130). According to current ACMG recommendations for variant evaluation (PMID 25741868), the criteria PS4_SUP, PM1, PM2_SUP, PM6, PP3_MOD and PP4_MOD are fulfilled, resulting in an evaluation as a pathogenic variant (ACMG class 5).

Labcorp Genetics (formerly Invitae), Labcorp
Classification: Uncertain significance for Familial hypocalciuric hypercalcemia; Autosomal dominant hypocalcemia 1. Last evaluated: 2023-11-10. Review status: criteria provided, single submitter. Criteria: Invitae Variant Classification Sherloc (09022015). Collection method: clinical testing. Allele origin: germline.
Comment: This sequence change replaces cysteine, which is neutral and slightly polar, with tyrosine, which is neutral and polar, at codon 561 of the CASR protein (p.Cys561Tyr). This variant is not present in population databases (gnomAD no frequency). This variant has not been reported in the literature in individuals affected with CASR-related conditions. An algorithm developed to predict the effect of missense changes on protein structure and function (PolyPhen-2) suggests that this variant is likely to be disruptive. In summary, the available evidence is currently insufficient to determine the role of this variant in disease. Therefore, it has been classified as a Variant of Uncertain Significance.

NM_000388.4(CASR):c.1682G>A (p.Cys561Tyr)

Gene: CASR (calcium sensing receptor; plus strand). Cytogenetic location: 3q21.1.
Variant type: single nucleotide variant.
Coding change: c.1682G>A on transcript NM_000388.4 (MANE Select); coding-DNA position 1682, G replaced by A.
Protein change: p.Cys561Tyr; replaces cysteine 561 with tyrosine.
Molecular consequence: missense variant.
Genome position (GRCh38, 1-based): chr3:122,282,186, G>A. VCF-style: chr3-122282186-G-A. GRCh37 (hg19) VCF-style: chr3-122001033-G-A.
Other names: c.1712G>A, p.Cys571Tyr (NM_001178065.2); short protein forms C571Y, C561Y.
Identifiers: ClinVar variation 2952565 (VCV002952565.4), dbSNP rs2473272799, ClinGen allele CA354156260.